The following continues an entry in ClinVar:

NM_206965.2(FTCD):c.990dup (p.Pro331fs)

Gene: FTCD. ClinVar aggregate classification (germline): Pathogenic/Likely pathogenic. Pathogenic (14); Likely pathogenic (4).

Submissions 16 to 20 of 20:

Ambry Genetics
Classification: Pathogenic for Inborn genetic diseases. Last evaluated: 2022-03-09. Review status: criteria provided, single submitter. Criteria: Ambry Variant Classification Scheme 2023. Collection method: clinical testing. Allele origin: germline.
Comment: The c.990dupG (p.P331Afs*2) alteration, located in exon 9 (coding exon 9) of the FTCD gene, consists of a duplication of G at position 990, causing a translational frameshift with a predicted alternate stop codon after 2 amino acids. This alteration is expected to result in loss of function by premature protein truncation or nonsense-mediated mRNA decay. This alteration has been reported in the homozygous and compound heterozygous state with a second FTCD alteration in patients with glutamate formiminotransferase deficiency (Ahrens-Nicklas, 2019; Hilton, 2003; Majumdar, 2017). Based on the available evidence, this alteration is classified as pathogenic.

Molecular Genetics, Royal Melbourne Hospital
Classification: Pathogenic for Glutamate formiminotransferase deficiency. Last evaluated: 2021-04-09. Review status: criteria provided, single submitter. Criteria: ACMG Guidelines, 2015. Collection method: clinical testing. Allele origin: germline.
Comment: This sequence change is a duplication of 1 bp in exon 9 (of 14) of FTCD that is predicted to create a premature termination codon at position 332 (p.(Pro331Alafs*2)). It is expected to result in nonsense mediated decay, in a gene where loss of function is an established mechanism of disease (ClinGen). The variant is present in a large population cohort at a frequency of 0.3% (rs398124234, 465/141,806 alleles, 3 homozygotes in gnomAD v2.1). It has been identified in the homozygous and the compound heterozygous state in multiple individuals with formimidoyltransferase cyclodeaminase deficiency with elevated levels of formiminoglutamate (FIGLU) in the urine or blood (PMID: 12815595, 26633545, 29178637, 30740726). Based on the classification scheme RMH Modified ACMG Guidelines v1.3.2, this variant is classified as PATHOGENIC. Following criteria are met: PVS1, PM3_VeryStrong, PP4, BS1.

Eurofins Ntd Llc (ga)
Classification: Pathogenic. Last evaluated: 2016-06-17. Review status: criteria provided, single submitter. Criteria: EGL Classification Definitions. Collection method: clinical testing. Allele origin: germline. Observed: 23 variant alleles, 11 heterozygotes, 11 homozygotes.

OMIM
Classification: Pathogenic for GLUTAMATE FORMIMINOTRANSFERASE DEFICIENCY. Last evaluated: 2003-07-01. Review status: no assertion criteria provided. Collection method: literature only. Allele origin: germline. Not counted in ClinVar's aggregate classification.

Center for Pediatric Genomic Medicine, Children's Mercy Hospital and Clinics
Classification: Uncertain significance. Last evaluated: 2017-09-11. Review status: flagged submission. Criteria: ACMG Guidelines, 2015. Collection method: clinical testing. Allele origin: germline. Not counted in ClinVar's aggregate classification.
ClinVar note: Reason: Older and outlier claim with insufficient supporting evidence

Literature cited by the submitters: PubMed 29178637 (cited by 5 submitters); PubMed 30740726 (cited by 5 submitters); PubMed 12815595 (cited by 6 submitters); PubMed 30679813 (cited by Pittsburgh Clinical Genomics Laboratory, University of Pittsburgh Medical Center); PubMed 26633545 (cited by Molecular Genetics, Royal Melbourne Hospital); PubMed 23757202 (cited by Eurofins Ntd Llc (ga)).